The following is an entry in ClinVar:

ClinVar aggregate classification (germline): Uncertain significance (1 of 4 stars; one submission).

Allele frequency attached by ClinVar (database versions not stated): gnomAD 0.00001.
gnomAD v4.1: 4 of 1,613,932 alleles (0.00025%); highest among the groups gnomAD compares: Non-Finnish European, 0.00034%; no homozygotes.

Submission:

Labcorp Genetics (formerly Invitae), Labcorp
Classification: Uncertain significance. Last evaluated: 2024-12-15. Review status: criteria provided, single submitter. Criteria: Invitae Variant Classification Sherloc (09022015). Collection method: clinical testing. Allele origin: germline.
Comment: This sequence change replaces arginine, which is basic and polar, with glycine, which is neutral and non-polar, at codon 514 of the ARHGEF1 protein (p.Arg514Gly). This variant is not present in population databases (gnomAD no frequency). This variant has not been reported in the literature in individuals affected with ARHGEF1-related conditions. ClinVar contains an entry for this variant (Variation ID: 2794630). An algorithm developed to predict the effect of missense changes on protein structure and function (PolyPhen-2) suggests that this variant is likely to be disruptive. In summary, the available evidence is currently insufficient to determine the role of this variant in disease. Therefore, it has been classified as a Variant of Uncertain Significance.

NM_004706.4(ARHGEF1):c.1495C>G (p.Arg499Gly)

Gene: ARHGEF1 (Rho guanine nucleotide exchange factor 1; plus strand). Cytogenetic location: 19q13.2.
Variant type: single nucleotide variant.
Coding change: c.1495C>G on transcript NM_004706.4 (MANE Select); coding-DNA position 1495, C replaced by G.
Protein change: p.Arg499Gly; replaces arginine 499 with glycine.
Molecular consequence: missense variant. On other transcripts: non-coding transcript variant (2).
Genome position (GRCh38, 1-based): chr19:41,902,354, C>G. VCF-style: chr19-41902354-C-G. GRCh37 (hg19) VCF-style: chr19-42406504-C-G.
Other names: c.1663C>G, p.Arg555Gly (NM_001396000.1); c.1396C>G, p.Arg466Gly (NM_001396002.1, NM_001396004.1, NM_198977.2); c.1495C>G, p.Arg499Gly (NM_001396003.1, NM_001396006.1); c.1540C>G, p.Arg514Gly (NM_199002.2); short protein forms R499G, R514G, R555G, R466G.
Identifiers: ClinVar variation 2794630 (VCV002794630.3), dbSNP rs1399293813, ClinGen allele CA406061090.